The following is an entry in ClinVar:

ClinVar aggregate classification (germline): Uncertain significance. Review status: criteria provided, multiple submitters, no conflicts (2 of 4 stars). 3 submissions from 3 submitters: Uncertain significance (2). 1 of the submissions does not count toward it. Last evaluated 2025-10-14.

Conditions:
Hereditary cancer-predisposing syndrome. Also called: Neoplastic Syndromes, Hereditary; Hereditary Cancer Syndrome; Tumor predisposition; Hereditary neoplastic syndrome. Identifiers: Orphanet 140162, MedGen C0027672, MeSH D009386, MONDO:0015356.
Ataxia-telangiectasia syndrome (AT). Also called: LOUIS-BAR SYNDROME; Cerebello-oculocutaneous telangiectasia; Immunodeficiency with ataxia telangiectasia; Ataxia-telangiectasia, complementation group D; AT, COMPLEMENTATION GROUP C; Ataxia-telangiectasia, complementation group E. Identifiers: Orphanet 100, MedGen C0004135, MONDO:0008840, OMIM 208900.

Submissions (3):

Labcorp Genetics (formerly Invitae), Labcorp
Classification: Uncertain significance for Ataxia-telangiectasia syndrome. Last evaluated: 2025-10-14. Review status: criteria provided, single submitter. Criteria: Invitae Variant Classification Sherloc (09022015). Collection method: clinical testing. Allele origin: germline.
Comment: This variant, c.8341_8343del, results in the deletion of 1 amino acid(s) of the ATM protein (p.Val2781del), but otherwise preserves the integrity of the reading frame. This variant is not present in population databases (gnomAD no frequency). This variant has not been reported in the literature in individuals affected with ATM-related conditions. ClinVar contains an entry for this variant (Variation ID: 479111). Experimental studies and prediction algorithms are not available or were not evaluated, and the functional significance of this variant is currently unknown. In summary, the available evidence is currently insufficient to determine the role of this variant in disease. Therefore, it has been classified as a Variant of Uncertain Significance.

Ambry Genetics
Classification: Uncertain significance for Hereditary cancer-predisposing syndrome. Last evaluated: 2022-04-18. Review status: criteria provided, single submitter. Criteria: Ambry Variant Classification Scheme 2023. Collection method: clinical testing. Allele origin: germline.
Comment: The c.8341_8343delGTT variant (also known as p.V2781del) is located in coding exon 56 of the ATM gene. This variant results from an in-frame GTT deletion at nucleotide positions 8341 to 8343. This results in the in-frame deletion of a valine residue at codon 2781. This amino acid position is well conserved in available vertebrate species. In addition, this alteration is predicted to be deleterious by in silico analysis (Choi Y et al. PLoS ONE. 2012; 7(10):e46688). Since supporting evidence is limited at this time, the clinical significance of this alteration remains unclear.

Natera, Inc.
Classification: Uncertain significance for Ataxia-telangiectasia. Last evaluated: 2021-02-04. Review status: no assertion criteria provided. Collection method: clinical testing. Allele origin: germline. Not counted in ClinVar's aggregate classification.

NM_000051.4(ATM):c.8341_8343del (p.Val2781del)

Genes: ATM (ATM serine/threonine kinase; plus strand), C11orf65 (chromosome 11 open reading frame 65; minus strand). Cytogenetic location: 11q22.3.
Variant type: Deletion.
Coding change: c.8341_8343del on transcript NM_000051.4 (MANE Select); coding-DNA positions 8341 to 8343, 3 bases deleted (GTT; older notation c.8341_8343delGTT).
Protein change: p.Val2781del; deletes valine 2781.
Molecular consequence: inframe deletion. On other transcripts: inframe indel (1), intron variant (2).
Genome position (GRCh38, 1-based): chr11:108,343,294-108,343,296, GTT deleted; deleting any 3 consecutive bases within chr11:108,343,292-108,343,296 gives the same sequence; the c. name uses the placement nearest the transcript's 3' end. VCF-style (leftmost placement, unchanged base first): chr11-108343291-CTTG-C. GRCh37 (hg19) VCF-style: chr11-108214018-CTTG-C.
Other names: c.8341_8343delGTT, p.Val2781del (NM_000051.3); c.8341_8343del, p.Val2781del (NM_001351834.2); c.641-34223_641-34221del (NM_001330368.2); c.695-8002_695-8000del (NM_001351110.2); short protein forms V2781del.
Identifiers: ClinVar variation 479111 (VCV000479111.27), dbSNP rs1178661659, ClinGen allele CA658656243.